The following is an entry in ClinVar:

NM_005188.4(CBL):c.1567G>T (p.Ala523Ser)

Gene: CBL (Cbl proto-oncogene; plus strand). Cytogenetic location: 11q23.3.
Variant type: single nucleotide variant.
Coding change: c.1567G>T on transcript NM_005188.4 (MANE Select); coding-DNA position 1567, G replaced by T.
Protein change: p.Ala523Ser; replaces alanine 523 with serine.
Molecular consequence: missense variant.
Genome position (GRCh38, 1-based): chr11:119,285,192, G>T. VCF-style: chr11-119285192-G-T. GRCh37 (hg19) VCF-style: chr11-119155902-G-T.
Other names: short protein forms A523S.
Identifiers: ClinVar variation 1775406 (VCV001775406.2), dbSNP rs2135310264, ClinGen allele CA382918777.

ClinVar aggregate classification (germline): Uncertain significance (1 of 4 stars; one submission).

Conditions:
Cardiovascular phenotype. Identifiers: MedGen CN230736.

gnomAD v4.1: 3 of 1,614,136 alleles (0.00019%); highest among the groups gnomAD compares: Non-Finnish European, 0.00025%; no homozygotes.

Submission:

Ambry Genetics
Classification: Uncertain significance for Cardiovascular phenotype. Last evaluated: 2022-02-02. Review status: criteria provided, single submitter. Criteria: Ambry Variant Classification Scheme 2023. Collection method: clinical testing. Allele origin: germline.
Comment: The p.A523S variant (also known as c.1567G>T), located in coding exon 11 of the CBL gene, results from a G to T substitution at nucleotide position 1567. The alanine at codon 523 is replaced by serine, an amino acid with similar properties. This amino acid position is conserved. In addition, this alteration is predicted to be tolerated by in silico analysis. Since supporting evidence is limited at this time, the clinical significance of this alteration remains unclear.